The following is an entry in ClinVar:

ClinVar aggregate classification (germline): Uncertain significance (1 of 4 stars; one submission).

Conditions:
Ullrich congenital muscular dystrophy 2 (UCMD2). Identifiers: Orphanet 75840, MedGen C4225314, MONDO:0014654, OMIM 616470.
Bethlem myopathy 2 (BTHLM2). Identifiers: Orphanet 536516, Orphanet 610, MedGen C4225313, MONDO:0034022, OMIM 616471.

Submission:

Labcorp Genetics (formerly Invitae), Labcorp
Classification: Uncertain significance for Bethlem myopathy 2; Ullrich congenital muscular dystrophy 2. Last evaluated: 2024-08-12. Review status: criteria provided, single submitter. Criteria: Invitae Variant Classification Sherloc (09022015). Collection method: clinical testing. Allele origin: germline.
Comment: This sequence change replaces asparagine, which is neutral and polar, with histidine, which is basic and polar, at codon 1717 of the COL12A1 protein (p.Asn1717His). This variant is not present in population databases (gnomAD no frequency). This variant has not been reported in the literature in individuals affected with COL12A1-related conditions. Advanced modeling of protein sequence and biophysical properties (such as structural, functional, and spatial information, amino acid conservation, physicochemical variation, residue mobility, and thermodynamic stability) performed at Invitae indicates that this missense variant is not expected to disrupt COL12A1 protein function with a negative predictive value of 80%. In summary, the available evidence is currently insufficient to determine the role of this variant in disease. Therefore, it has been classified as a Variant of Uncertain Significance.

NM_004370.6(COL12A1):c.5149A>C (p.Asn1717His)

Gene: COL12A1 (collagen type XII alpha 1 chain; minus strand). Cytogenetic location: 6q13.
Variant type: single nucleotide variant.
Coding change: c.5149A>C on transcript NM_004370.6 (MANE Select); coding-DNA position 5149, A replaced by C.
Protein change: p.Asn1717His; replaces asparagine 1717 with histidine.
Molecular consequence: missense variant.
Genome position (GRCh38, 1-based): chr6:75,138,529, T>G on the plus strand (A>C on the coding strand, the complement: COL12A1 is on the minus strand). VCF-style: chr6-75138529-T-G. GRCh37 (hg19) VCF-style: chr6-75848245-T-G.
Other names: c.5149A>C, p.Asn1717His (NM_001424113.1, NM_001424114.1); c.4876A>C, p.Asn1626His (NM_001424115.1); c.1657A>C, p.Asn553His (NM_001424116.1, NM_080645.3); short protein forms N1626H, N1717H, N553H.
Identifiers: ClinVar variation 3757563 (VCV003757563.2).